The following is an entry in ClinVar:

ClinVar aggregate classification (germline): Uncertain significance. Review status: criteria provided, multiple submitters, no conflicts (2 of 4 stars). 2 submissions from 2 submitters: Uncertain significance (2). Last evaluated 2025-04-20.

Conditions:
Neuroblastoma, susceptibility to, 3. Also called: ALK-Related Neuroblastic Tumor Susceptibility. Identifiers: Orphanet 635, MedGen C2751681, MONDO:0013083, OMIM 613014.
Hereditary cancer-predisposing syndrome. Also called: Neoplastic Syndromes, Hereditary; Hereditary Cancer Syndrome; Hereditary neoplastic syndrome; Tumor predisposition. Identifiers: Orphanet 140162, MedGen C0027672, MeSH D009386, MONDO:0015356.

Allele frequency attached by ClinVar (database versions not stated): gnomAD exomes 0.00002; ExAC 0.00003.
gnomAD v4.1: 6 of 1,614,004 alleles (0.00037%); highest among the groups gnomAD compares: South Asian, 0.0055%; no homozygotes.

Submissions (2):

Labcorp Genetics (formerly Invitae), Labcorp
Classification: Uncertain significance for Neuroblastoma, susceptibility to, 3. Last evaluated: 2025-04-20. Review status: criteria provided, single submitter. Criteria: Invitae Variant Classification Sherloc (09022015). Collection method: clinical testing. Allele origin: germline.
Comment: This sequence change replaces methionine, which is neutral and non-polar, with valine, which is neutral and non-polar, at codon 233 of the ALK protein (p.Met233Val). This variant is present in population databases (rs771254732, gnomAD 0.01%). This variant has not been reported in the literature in individuals affected with ALK-related conditions. ClinVar contains an entry for this variant (Variation ID: 851355). An algorithm developed to predict the effect of missense changes on protein structure and function outputs the following: PolyPhen-2: "Benign". The valine amino acid residue is found in multiple mammalian species, which suggests that this missense change does not adversely affect protein function. In summary, the available evidence is currently insufficient to determine the role of this variant in disease. Therefore, it has been classified as a Variant of Uncertain Significance.

Ambry Genetics
Classification: Uncertain significance for Hereditary cancer-predisposing syndrome. Last evaluated: 2023-03-26. Review status: criteria provided, single submitter. Criteria: Ambry Variant Classification Scheme 2023. Collection method: clinical testing. Allele origin: germline.
Comment: The p.M233V variant (also known as c.697A>G), located in coding exon 2 of the ALK gene, results from an A to G substitution at nucleotide position 697. The methionine at codon 233 is replaced by valine, an amino acid with highly similar properties. This amino acid position is conserved. In addition, this alteration is predicted to be tolerated by in silico analysis. Since supporting evidence is limited at this time, the clinical significance of this alteration remains unclear.

NM_004304.5(ALK):c.697A>G (p.Met233Val)

Gene: ALK (ALK receptor tyrosine kinase; minus strand). Cytogenetic location: 2p23.2.
Variant type: single nucleotide variant.
Coding change: c.697A>G on transcript NM_004304.5 (MANE Select); coding-DNA position 697, A replaced by G.
Protein change: p.Met233Val; replaces methionine 233 with valine.
Molecular consequence: missense variant.
Genome position (GRCh38, 1-based): chr2:29,717,668, T>C on the plus strand (A>G on the coding strand, the complement: ALK is on the minus strand). VCF-style: chr2-29717668-T-C. GRCh37 (hg19) VCF-style: chr2-29940534-T-C.
Other names: short protein forms M233V.
Identifiers: ClinVar variation 851355 (VCV000851355.11), dbSNP rs771254732, ClinGen allele CA1594895.
Genomic context (GRCh38, chr2:29,717,668, plus strand): 5'-AGGAGTCTTTCATTATCCAGGTGAGATTCCATGTAAAATAATCAGGAGAAGGAGAAGGCA[T>C]GTTTGTTGGTGATTCCAAGGAGCTATGACCTGGACATAAAAATAAAGAAAACACTGATCC-3'
Protein context (NP_004295.2, residues 223-243): GHSSLESPTN[Met233Val]PSPSPDYFTW